The following is an entry in ClinVar:

NM_015160.3(PMPCA):c.602C>T (p.Pro201Leu)

Genes: PMPCA (peptidase, mitochondrial processing subunit alpha; plus strand), LOC126860792 (CDK7 strongly-dependent group 2 enhancer GRCh37_chr9:139310410-139311609; plus strand). Cytogenetic location: 9q34.3.
Variant type: single nucleotide variant.
Coding change: c.602C>T on transcript NM_015160.3 (MANE Select); coding-DNA position 602, C replaced by T.
Protein change: p.Pro201Leu; replaces proline 201 with leucine.
Molecular consequence: missense variant.
Genome position (GRCh38, 1-based): chr9:136,416,360, C>T. VCF-style: chr9-136416360-C-T. GRCh37 (hg19) VCF-style: chr9-139310812-C-T.
Other names: c.209C>T, p.Pro70Leu (NM_001282944.2); c.302C>T, p.Pro101Leu (NM_001282946.2); short protein forms P101L, P201L, P70L.
Identifiers: ClinVar variation 4798057 (VCV004798057.1).
Genomic context (GRCh38, chr9:136,416,360, plus strand): 5'-TCGAGATGACGCGGATGGCGGTCCAGTTTGAGCTGGAGGACCTGAACCTGCGGCCTGACC[C>T]AGAGCCACTTCTCACCGAGATGATTCATGAAGTAAAATGTCAAACTCGAGAATGCCCCCG-3'
Protein context (NP_055975.1, residues 191-211): ELEDLNLRPD[Pro201Leu]EPLLTEMIHE

ClinVar aggregate classification (germline): Uncertain significance (1 of 4 stars; one submission).

Submission:

Labcorp Genetics (formerly Invitae), Labcorp
Classification: Uncertain significance. Last evaluated: 2025-09-29. Review status: criteria provided, single submitter. Criteria: Invitae Variant Classification Sherloc (09022015). Collection method: clinical testing. Allele origin: germline.
Comment: This sequence change replaces proline, which is neutral and non-polar, with leucine, which is neutral and non-polar, at codon 201 of the PMPCA protein (p.Pro201Leu). This variant is not present in population databases (gnomAD no frequency). This variant has not been reported in the literature in individuals affected with PMPCA-related conditions. Invitae Evidence Modeling of protein sequence and biophysical properties (such as structural, functional, and spatial information, amino acid conservation, physicochemical variation, residue mobility, and thermodynamic stability) indicates that this missense variant is not expected to disrupt PMPCA protein function with a negative predictive value of 80%. In summary, the available evidence is currently insufficient to determine the role of this variant in disease. Therefore, it has been classified as a Variant of Uncertain Significance.